The following is an entry in ClinVar:

NM_005591.4(MRE11):c.668A>C (p.His223Pro)

Gene: MRE11 (MRE11 double strand break repair nuclease; minus strand). Cytogenetic location: 11q21.
Variant type: single nucleotide variant.
Coding change: c.668A>C on transcript NM_005591.4 (MANE Select); coding-DNA position 668, A replaced by C.
Protein change: p.His223Pro; replaces histidine 223 with proline.
Molecular consequence: missense variant.
Genome position (GRCh38, 1-based): chr11:94,471,751, T>G on the plus strand (A>C on the coding strand, the complement: MRE11 is on the minus strand). VCF-style: chr11-94471751-T-G. GRCh37 (hg19) VCF-style: chr11-94204917-T-G.
Other names: c.668A>C, p.His223Pro (NM_001330347.2, NM_005590.4); short protein forms H223P.
Identifiers: ClinVar variation 3224863 (VCV003224863.1), dbSNP rs1170382104, ClinGen allele CA382375948.
Genomic context (GRCh38, chr11:94,471,751, plus strand): 5'-CAGATAACAAGATCAATGAAGTCATCCAAAAATTGTTCTGGAATGAAGTTAGTACTTCCA[T>G]GTTTACTCCTGTATCAAGATTTTGAAAAATATAAATTCGGTGATTAGAAAAATTTCATAT-3'
Protein context (NP_005582.1, residues 213-233): LFVIHQNRSK[His223Pro]GSTNFIPEQF

ClinVar aggregate classification (germline): Uncertain significance (1 of 4 stars; one submission).

Conditions:
Hereditary cancer-predisposing syndrome. Also called: Neoplastic Syndromes, Hereditary; Tumor predisposition; Hereditary neoplastic syndrome; Hereditary Cancer Syndrome. Identifiers: Orphanet 140162, MedGen C0027672, MeSH D009386, MONDO:0015356.

Submission:

Ambry Genetics
Classification: Uncertain significance for Hereditary cancer-predisposing syndrome. Last evaluated: 2023-11-09. Review status: criteria provided, single submitter. Criteria: Ambry Variant Classification Scheme 2023. Collection method: clinical testing. Allele origin: germline.
Comment: The p.H223P variant (also known as c.668A>C), located in coding exon 7 of the MRE11A gene, results from an A to C substitution at nucleotide position 668. The histidine at codon 223 is replaced by proline, an amino acid with similar properties. This amino acid position is conserved. In addition, this alteration is predicted to be deleterious by in silico analysis. Since supporting evidence is limited at this time, the clinical significance of this alteration remains unclear.